The following is an entry in ClinVar:

ClinVar aggregate classification (germline): Uncertain significance (1 of 4 stars; one submission).

Submission:

GeneDx
Classification: Uncertain significance. Last evaluated: 2024-08-04. Review status: criteria provided, single submitter. Criteria: GeneDx Variant Classification Process June 2021. Collection method: clinical testing. Allele origin: germline. Affected: yes.
Comment: Not observed at significant frequency in large population cohorts (gnomAD); In silico analysis supports that this missense variant has a deleterious effect on protein structure/function; Has not been previously published as pathogenic or benign to our knowledge

NM_012199.5(AGO1):c.1045C>A (p.Arg349Ser)

Gene: AGO1 (argonaute RISC component 1; plus strand). Cytogenetic location: 1p34.3.
Variant type: single nucleotide variant.
Coding change: c.1045C>A on transcript NM_012199.5 (MANE Select); coding-DNA position 1045, C replaced by A.
Protein change: p.Arg349Ser; replaces arginine 349 with serine.
Molecular consequence: missense variant.
Genome position (GRCh38, 1-based): chr1:35,901,498, C>A. VCF-style: chr1-35901498-C-A. GRCh37 (hg19) VCF-style: chr1-36367099-C-A.
Other names: c.1045C>A, p.Arg349Ser (NM_001317122.2); c.820C>A, p.Arg274Ser (NM_001317123.2); short protein forms R274S, R349S.
Identifiers: ClinVar variation 3603095 (VCV003603095.1).